The following is an entry in ClinVar:

NM_001134363.3(RBM20):c.380T>C (p.Val127Ala)

Gene: RBM20 (RNA binding motif protein 20; plus strand). Cytogenetic location: 10q25.2.
Variant type: single nucleotide variant.
Coding change: c.380T>C on transcript NM_001134363.3 (MANE Select); coding-DNA position 380, T replaced by C.
Protein change: p.Val127Ala; replaces valine 127 with alanine.
Molecular consequence: missense variant.
Genome position (GRCh38, 1-based): chr10:110,780,989, T>C. VCF-style: chr10-110780989-T-C. GRCh37 (hg19) VCF-style: chr10-112540747-T-C.
Other names: short protein forms V127A.
Identifiers: ClinVar variation 2449394 (VCV002449394.2), dbSNP rs2493409799, ClinGen allele CA378379912.

ClinVar aggregate classification (germline): Uncertain significance (1 of 4 stars; one submission).

Conditions:
Cardiovascular phenotype. Identifiers: MedGen CN230736.

Submission:

Ambry Genetics
Classification: Uncertain significance for Cardiovascular phenotype. Last evaluated: 2023-01-20. Review status: criteria provided, single submitter. Criteria: Ambry Variant Classification Scheme 2023. Collection method: clinical testing. Allele origin: germline.
Comment: The p.V127A variant (also known as c.380T>C), located in coding exon 2 of the RBM20 gene, results from a T to C substitution at nucleotide position 380. The valine at codon 127 is replaced by alanine, an amino acid with similar properties. This amino acid position is conserved. In addition, the in silico prediction for this alteration is inconclusive. Since supporting evidence is limited at this time, the clinical significance of this alteration remains unclear.